The following is an entry in ClinVar:

ClinVar aggregate classification (germline): Uncertain significance (1 of 4 stars; one submission).

Allele frequency attached by ClinVar (database versions not stated): TOPMed below 0.00001; gnomAD 0.00001.

Submission:

Labcorp Genetics (formerly Invitae), Labcorp
Classification: Uncertain significance. Last evaluated: 2022-03-23. Review status: criteria provided, single submitter. Criteria: Invitae Variant Classification Sherloc (09022015). Collection method: clinical testing. Allele origin: germline.
Comment: In summary, the available evidence is currently insufficient to determine the role of this variant in disease. Therefore, it has been classified as a Variant of Uncertain Significance. Advanced modeling of protein sequence and biophysical properties (such as structural, functional, and spatial information, amino acid conservation, physicochemical variation, residue mobility, and thermodynamic stability) performed at Invitae indicates that this missense variant is expected to disrupt TWNK protein function. This variant has not been reported in the literature in individuals affected with TWNK-related conditions. This variant is not present in population databases (gnomAD no frequency). This sequence change replaces arginine, which is basic and polar, with lysine, which is basic and polar, at codon 450 of the TWNK protein (p.Arg450Lys).

NM_021830.5(TWNK):c.1349G>A (p.Arg450Lys)

Gene: TWNK (twinkle mtDNA helicase; plus strand). Cytogenetic location: 10q24.31.
Variant type: single nucleotide variant.
Coding change: c.1349G>A on transcript NM_021830.5 (MANE Select); coding-DNA position 1349, G replaced by A.
Protein change: p.Arg450Lys; replaces arginine 450 with lysine.
Molecular consequence: missense variant. On other transcripts: 5 prime UTR variant (3), non-coding transcript variant (5).
Genome position (GRCh38, 1-based): chr10:100,989,749, G>A. VCF-style: chr10-100989749-G-A. GRCh37 (hg19) VCF-style: chr10-102749506-G-A.
Other names: c.1349G>A, p.Arg450Lys (NM_001163812.2); c.-14G>A (NM_001163813.2, NM_001163814.2, NM_001368275.1); short protein forms R450K.
Identifiers: ClinVar variation 2115835 (VCV002115835.4), dbSNP rs1851715950, ClinGen allele CA378210638.